The following is an entry in ClinVar:

NM_000558.5(HBA1):c.427T>C (p.Ter143Gln)

Genes: HBA1 (hemoglobin subunit alpha 1; plus strand), LOC106804613 (hemoglobin subunit alpha 1 recombination region; plus strand). Cytogenetic location: 16p13.3.
Variant type: single nucleotide variant.
Coding change: c.427T>C on transcript NM_000558.5 (MANE Select); coding-DNA position 427, T replaced by C.
Protein change: p.Ter143Gln.
Molecular consequence: stop lost.
Genome position (GRCh38, 1-based): chr16:177,409, T>C. VCF-style: chr16-177409-T-C. GRCh37 (hg19) VCF-style: chr16-227408-T-C.
Identifiers: ClinVar variation 4814408 (VCV004814408.1).
Genomic context (GRCh38, chr16:177,409, plus strand): 5'-CACGCCTCCCTGGACAAGTTCCTGGCTTCTGTGAGCACCGTGCTGACCTCCAAATACCGT[T>C]AAGCTGGAGCCTCGGTGGCCATGCTTCTTGCCCCTTGGGCCTCCCCCCAGCCCCTCCTCC-3'

ClinVar aggregate classification (germline): Likely pathogenic (1 of 4 stars; one submission).

Conditions:
alpha Thalassemia. Also called: Alpha thalassemia spectrum. Identifiers: Orphanet 846, MedGen C0002312, MONDO:0011399, OMIM 604131.

Submission:

Natera, Inc.
Classification: Likely pathogenic for Alpha thalassemia. Last evaluated: 2025-09-11. Review status: criteria provided, single submitter. Criteria: Natera Variant Classification Schema (03/2026). Collection method: clinical testing. Allele origin: germline.
Comment: The c.427T>C variant in HBA1 is a stop-loss variant predicted to disrupt the normal termination codon and extend translation beyond the canonical stop site. This variant is rare in the general population with a frequency below the threshold expected for the associated phenotype(s). Given the available evidence, this variant is classified as Likely Pathogenic.